The following is an entry in ClinVar:

ClinVar aggregate classification (germline): Pathogenic (1 of 4 stars; one submission).

Submission:

CeGaT Center for Human Genetics Tuebingen
Classification: Pathogenic. Last evaluated: 2025-10-01. Review status: criteria provided, single submitter. Criteria: CeGaT Center For Human Genetics Tuebingen Variant Classification Criteria Version 2. Collection method: clinical testing. Allele origin: germline. Affected: yes. Observed: 1 variant allele.
Comment: PTCH1: PVS1, PM2, PP1

NM_000264.5(PTCH1):c.2016del (p.His673fs)

Genes: PTCH1 (patched 1; minus strand), LOC100507346 (uncharacterized LOC100507346; plus strand). Cytogenetic location: 9q22.32.
Variant type: Deletion.
Coding change: c.2016del on transcript NM_000264.5 (MANE Select); coding-DNA position 2016, one base deleted (G; older notation c.2016delG).
Protein change: p.His673fs; shifts the reading frame from histidine 673.
Molecular consequence: frameshift variant. On other transcripts: non-coding transcript variant (2).
Genome position (GRCh38, 1-based): chr9:95,468,985, C deleted on the plus strand (G on the coding strand, the reverse complement: PTCH1 is on the minus strand). VCF-style (leftmost placement, unchanged base first): chr9-95468984-GC-G. GRCh37 (hg19) VCF-style: chr9-98231266-GC-G.
Other names: c.1818del, p.His607fs (NM_001083602.3); c.2013del, p.His672fs (NM_001083603.3); c.1563del, p.His522fs (NM_001083604.3, NM_001083605.3, NM_001083606.3 and 1 more transcripts); c.1860del, p.His621fs (NM_001354918.2); short protein forms H522fs, H607fs, H621fs, H672fs, H673fs.
Identifiers: ClinVar variation 4535433 (VCV004535433.6).
Genomic context (GRCh38, chr9:95,468,984, plus strand): 5'-TCACGGTGACGGGCTGCACAGAGATCTCGGAGCGCGGCTCAGCGGTGGTGTAGTACACGT[GC>G]GTGTGGGGGTCGTACTCCGTGCGGAGCTGGACAGTGGACTGCATGGTAATCTGCGTTTCA-3'